The following is an entry in ClinVar:

ClinVar aggregate classification (germline): Uncertain significance. Review status: criteria provided, multiple submitters, no conflicts (2 of 4 stars). 3 submissions from 3 submitters: Uncertain significance (3). Last evaluated 2025-11-01.

Conditions:
Autosomal dominant limb-girdle muscular dystrophy type 1G (LGMDD3). Also called: MUSCULAR DYSTROPHY, LIMB-GIRDLE, AUTOSOMAL DOMINANT 3; Limb-girdle muscular dystrophy, type 1G. Identifiers: Orphanet 55596, MedGen C1836765, MONDO:0012193, OMIM 609115.

Submissions (3):

Labcorp Genetics (formerly Invitae), Labcorp
Classification: Uncertain significance for Autosomal dominant limb-girdle muscular dystrophy type 1G. Last evaluated: 2025-11-01. Review status: criteria provided, single submitter. Criteria: Invitae Variant Classification Sherloc (09022015). Collection method: clinical testing. Allele origin: germline.
Comment: This variant, c.101_109del, results in the deletion of 3 amino acid(s) of the HNRNPDL protein (p.Pro34_Arg36del), but otherwise preserves the integrity of the reading frame. This variant is present in population databases (rs759911561, gnomAD 0.1%). This variant has been observed in individual(s) with clinical features of limb-girdle muscular dystrophy (PMID: 36575883). ClinVar contains an entry for this variant (Variation ID: 572964). Experimental studies and prediction algorithms are not available or were not evaluated, and the functional significance of this variant is currently unknown. In summary, the available evidence is currently insufficient to determine the role of this variant in disease. Therefore, it has been classified as a Variant of Uncertain Significance.

Revvity Omics, Revvity
Classification: Uncertain significance for Autosomal dominant limb-girdle muscular dystrophy type 1G. Last evaluated: 2025-03-28. Review status: criteria provided, single submitter. Criteria: ACMG Guidelines, 2015. Collection method: clinical testing. Allele origin: germline.

Fulgent Genetics
Classification: Uncertain significance for Autosomal dominant limb-girdle muscular dystrophy type 1G. Last evaluated: 2022-01-26. Review status: criteria provided, single submitter. Criteria: ACMG Guidelines, 2015. Collection method: clinical testing. Allele origin: unknown.

Literature cited by the submitters: PubMed 36575883 (cited by Labcorp Genetics (formerly Invitae), Labcorp).

NM_031372.4(HNRNPDL):c.101_109del (p.Pro34_Arg36del)

Gene: HNRNPDL (heterogeneous nuclear ribonucleoprotein D like; minus strand). Cytogenetic location: 4q21.22.
Variant type: Deletion.
Coding change: c.101_109del on transcript NM_031372.4 (MANE Select); coding-DNA positions 101 to 109, 9 bases deleted (CGCCGCGGC; older notation c.101_109delCGCCGCGGC).
Protein change: p.Pro34_Arg36del.
Molecular consequence: inframe deletion. On other transcripts: non-coding transcript variant (1).
Genome position (GRCh38, 1-based): chr4:82,429,582-82,429,590, GCCGCGGCG deleted on the plus strand (CGCCGCGGC on the coding strand, the reverse complement: HNRNPDL is on the minus strand); deleting any 9 consecutive bases within chr4:82,429,582-82,429,598 gives the same sequence; the c. name uses the placement nearest the transcript's 3' end. VCF-style (leftmost placement, unchanged base first): chr4-82429581-TGCCGCGGCG-T. GRCh37 (hg19) VCF-style: chr4-83350734-TGCCGCGGCG-T.
Other names: c.101_109delCGCCGCGGC (NM_031372.3); c.101_109del, p.Pro34_Arg36del (NM_001207000.1).
Identifiers: ClinVar variation 572964 (VCV000572964.13), dbSNP rs759911561, ClinGen allele CA2985146.